The following is an entry in ClinVar:

NM_016507.4(CDK12):c.692C>G (p.Ser231Cys)

Genes: CDK12 (cyclin dependent kinase 12; plus strand), LOC126862553 (CDK7 strongly-dependent group 2 enhancer GRCh37_chr17:37618166-37619365; plus strand). Cytogenetic location: 17q12.
Variant type: single nucleotide variant.
Coding change: c.692C>G on transcript NM_016507.4 (MANE Select); coding-DNA position 692, C replaced by G.
Protein change: p.Ser231Cys; replaces serine 231 with cysteine.
Molecular consequence: missense variant.
Genome position (GRCh38, 1-based): chr17:39,462,763, C>G. VCF-style: chr17-39462763-C-G. GRCh37 (hg19) VCF-style: chr17-37619016-C-G.
Other names: c.692C>G, p.Ser231Cys (NM_015083.4); short protein forms S231C.
Identifiers: ClinVar variation 4868504 (VCV004868504.1).
Genomic context (GRCh38, chr17:39,462,763, plus strand): 5'-AAACAGTGGACAGCCCAAAACGGAGATCCAGGAGCCCCCACAGGAAGTGGTCTGACAGCT[C>G]CAAACAAGATGATAGCCCCTCGGGAGCTTCTTATGGCCAAGATTATGACCTTAGTCCCTC-3'
Protein context (NP_057591.2, residues 221-241): RSPHRKWSDS[Ser231Cys]KQDDSPSGAS

ClinVar aggregate classification (germline): Uncertain significance (1 of 4 stars; one submission).

gnomAD v4.1: 1 of 1,614,170 alleles (0.000062%); highest among the groups gnomAD compares: Non-Finnish European, 0.000085%; no homozygotes.

Submission:

Ambry Genetics
Classification: Uncertain significance. Last evaluated: 2026-04-23. Review status: criteria provided, single submitter. Criteria: Ambry Variant Classification Scheme 2023. Collection method: clinical testing. Allele origin: germline.
Comment: The p.S231C variant (also known as c.692C>G), located in coding exon 1 of the CDK12 gene, results from a C to G substitution at nucleotide position 692. The serine at codon 231 is replaced by cysteine, an amino acid with dissimilar properties. This amino acid position is conserved. In addition, this alteration is predicted to be tolerated by in silico analysis. Based on the available evidence, the clinical significance of this variant remains unclear.